The following is an entry in ClinVar:

NM_201384.3(PLEC):c.10586G>T (p.Arg3529Leu)

Gene: PLEC (plectin; minus strand). Cytogenetic location: 8q24.3.
Variant type: single nucleotide variant.
Coding change: c.10586G>T on transcript NM_201384.3 (MANE Select); coding-DNA position 10586, G replaced by T.
Protein change: p.Arg3529Leu; replaces arginine 3529 with leucine.
Molecular consequence: missense variant.
Genome position (GRCh38, 1-based): chr8:143,919,235, C>A on the plus strand (G>T on the coding strand, the complement: PLEC is on the minus strand). VCF-style: chr8-143919235-C-A. GRCh37 (hg19) VCF-style: chr8-144993403-C-A.
Other names: c.10667G>T (NM_000445.3); c.10667G>T, p.Arg3556Leu (NM_000445.5); c.10544G>T, p.Arg3515Leu (NM_201378.4); c.10520G>T, p.Arg3507Leu (NM_201379.3); c.10997G>T, p.Arg3666Leu (NM_201380.4); c.10490G>T, p.Arg3497Leu (NM_201381.3); c.10586G>T, p.Arg3529Leu (NM_201382.4); c.10598G>T, p.Arg3533Leu (NM_201383.3); short protein forms R3515L, R3533L, R3497L, R3666L, R3507L, R3529L, R3556L.
Identifiers: ClinVar variation 290729 (VCV000290729.18), dbSNP rs199815198, ClinGen allele CA10606889.
Genomic context (GRCh38, chr8:143,919,235, plus strand): 5'-GCCTTCTCCGCCCCTTTCAGTGGCAGAAGGCGCAAGCCCGTCTCGGGGTCCTCCACGCAC[C>A]GCTCCAGCAGCTGCCTGTACGTGAGGTTCTCATGCGTGTTGGGGTCAAAGAAGCCCTTGG-3'
Protein context (NP_958786.1, residues 3519-3539): ENLTYRQLLE[Arg3529Leu]CVEDPETGLR

ClinVar aggregate classification (germline): Uncertain significance. Review status: criteria provided, multiple submitters, no conflicts (2 of 4 stars). 4 submissions from 4 submitters: Uncertain significance (4). Last evaluated 2025-09-10.

Conditions:
Epidermolysis bullosa simplex, Ogna type (EBS5A). Also called: Pidermolysis bullosa simplex 5A, Ogna type; EPIDERMOLYSIS BULLOSA SIMPLEX 5A, OGNA TYPE. Identifiers: Orphanet 79401, MedGen C0432317, MONDO:0007555, OMIM 131950.
Epidermolysis bullosa simplex 5C, with pyloric atresia (EBS5C). Also called: PLEC-Related Epidermolysis Bullosa with Pyloric Atresia; Epidermolysis bullosa simplex with pyloric atresia; PLEC1-Related Epidermolysis Bullosa with Pyloric Atresia. Identifiers: Orphanet 158684, MedGen C2677349, MONDO:0012807, OMIM 612138.
Autosomal recessive limb-girdle muscular dystrophy type 2Q (LGMDR17). Also called: MUSCULAR DYSTROPHY, LIMB-GIRDLE, AUTOSOMAL RECESSIVE 17. Identifiers: Orphanet 254361, MedGen C3150989, MONDO:0013390, OMIM 613723.
Epidermolysis bullosa simplex 5B, with muscular dystrophy (EBS5B). Also called: EPIDERMOLYSIS BULLOSA SIMPLEX AND LIMB-GIRDLE MUSCULAR DYSTROPHY; Epidermolysis bullosa simplex with muscular dystrophy. Identifiers: Orphanet 257, MedGen C2931072, MONDO:0009181, OMIM 226670.
Epidermolysis bullosa simplex with nail dystrophy (EBS5D). Identifiers: MedGen C4225309, MONDO:0014661, OMIM 616487.
Inborn genetic diseases. Identifiers: MedGen C0950123, MeSH D030342.

gnomAD v4.1: 12 of 1,613,900 alleles (0.00074%); highest among the groups gnomAD compares: Non-Finnish European, 0.001%; no homozygotes.

Submissions (4):

Ambry Genetics
Classification: Uncertain significance for Inborn genetic diseases. Last evaluated: 2025-09-10. Review status: criteria provided, single submitter. Criteria: Ambry Variant Classification Scheme 2023. Collection method: clinical testing. Allele origin: germline.

Labcorp Genetics (formerly Invitae), Labcorp
Classification: Uncertain significance for Autosomal recessive limb-girdle muscular dystrophy type 2Q; Epidermolysis bullosa simplex, Ogna type; Epidermolysis bullosa simplex with nail dystrophy; Epidermolysis bullosa simplex 5C, with pyloric atresia; Epidermolysis bullosa simplex 5B, with muscular dystrophy. Last evaluated: 2023-06-06. Review status: criteria provided, single submitter. Criteria: Invitae Variant Classification Sherloc (09022015). Collection method: clinical testing. Allele origin: germline.
Comment: This sequence change replaces arginine, which is basic and polar, with leucine, which is neutral and non-polar, at codon 3556 of the PLEC protein (p.Arg3556Leu). This variant is present in population databases (no rsID available, gnomAD 0.0009%). This variant has not been reported in the literature in individuals affected with PLEC-related conditions. ClinVar contains an entry for this variant (Variation ID: 290729). Advanced modeling of protein sequence and biophysical properties (such as structural, functional, and spatial information, amino acid conservation, physicochemical variation, residue mobility, and thermodynamic stability) performed at Invitae indicates that this missense variant is not expected to disrupt PLEC protein function. In summary, the available evidence is currently insufficient to determine the role of this variant in disease. Therefore, it has been classified as a Variant of Uncertain Significance.

Revvity Omics, Revvity
Classification: Uncertain significance. Last evaluated: 2021-05-17. Review status: criteria provided, single submitter. Criteria: ACMG Guidelines, 2015. Collection method: clinical testing. Allele origin: germline.

Eurofins Ntd Llc (ga)
Classification: Uncertain significance. Last evaluated: 2016-09-07. Review status: criteria provided, single submitter. Criteria: EGL Classification Definitions 2015. Collection method: clinical testing. Allele origin: germline. Observed: 1 variant allele, 1 heterozygote.